The following is an entry in ClinVar:

NM_000434.4(NEU1):c.1021C>T (p.Arg341Ter)

Gene: NEU1 (neuraminidase 1; minus strand). Cytogenetic location: 6p21.33.
Variant type: single nucleotide variant.
Coding change: c.1021C>T on transcript NM_000434.4 (MANE Select); coding-DNA position 1021, C replaced by T.
Protein change: p.Arg341Ter; replaces arginine 341 with a stop codon.
Molecular consequence: nonsense.
Genome position (GRCh38, 1-based): chr6:31,860,042, G>A on the plus strand (C>T on the coding strand, the complement: NEU1 is on the minus strand). VCF-style: chr6-31860042-G-A. GRCh37 (hg19) VCF-style: chr6-31827819-G-A.
Other names: short protein forms R341*.
Identifiers: ClinVar variation 997915 (VCV000997915.6), dbSNP rs751458617, ClinGen allele CA3724904.

ClinVar aggregate classification (germline): Pathogenic/Likely pathogenic. Review status: criteria provided, multiple submitters, no conflicts (2 of 4 stars). 3 submissions from 3 submitters: Pathogenic (2); Likely pathogenic (1). Last evaluated 2026-01-07.

Conditions:
Sialidosis type 2. Also called: CHERRY RED SPOT--MYOCLONUS SYNDROME; NEU DEFICIENCY; NEUG DEFICIENCY; NEURAMINIDASE 1 DEFICIENCY; SIALIDASE DEFICIENCY; SIALIDOSIS, TYPE II. Identifiers: Orphanet 812, Orphanet 87876, MedGen C4282398, MONDO:0009738, OMIM 256550.
Sialidosis. Identifiers: Orphanet 309294, MedGen C0268226, MONDO:0017734.

Allele frequency attached by ClinVar (database versions not stated): TOPMed below 0.00001.

Submissions (3):

Labcorp Genetics (formerly Invitae), Labcorp
Classification: Pathogenic. Last evaluated: 2026-01-07. Review status: criteria provided, single submitter. Criteria: Invitae Variant Classification Sherloc (09022015). Collection method: clinical testing. Allele origin: germline.
Comment: This sequence change creates a premature translational stop signal (p.Arg341*) in the NEU1 gene. While this is not anticipated to result in nonsense mediated decay, it is expected to disrupt the last 75 amino acid(s) of the NEU1 protein. This variant is present in population databases (rs751458617, gnomAD 0.009%). This premature translational stop signal has been observed in individual(s) with sialidosis (PMID: 21214877, 32453490). In at least one individual the data is consistent with being in trans (on the opposite chromosome) from a pathogenic variant. ClinVar contains an entry for this variant (Variation ID: 997915). This variant disrupts a region of the NEU1 protein in which other variant(s) (p.Arg347Gln) have been determined to be pathogenic (PMID: 25600812; internal data). This suggests that this is a clinically significant region of the protein, and that variants that disrupt it are likely to be disease-causing. For these reasons, this variant has been classified as Pathogenic.

Fulgent Genetics
Classification: Likely pathogenic for Sialidosis type 2. Last evaluated: 2022-04-21. Review status: criteria provided, single submitter. Criteria: ACMG Guidelines, 2015. Collection method: clinical testing. Allele origin: unknown.

Women's Health and Genetics/Laboratory Corporation of America, LabCorp
Classification: Pathogenic for Sialidosis. Last evaluated: 2021-02-11. Review status: criteria provided, single submitter. Criteria: LabCorp Variant Classification Summary - May 2015. Collection method: clinical testing. Allele origin: germline.
Comment: Variant summary: NEU1 c.1021C>T (p.Arg341X) results in a premature termination codon, predicted to cause a truncation of the encoded protein or absence of the protein due to nonsense mediated decay, which are commonly known mechanisms for disease. Truncations downstream of this position have been classified as pathogenic in other databases. The variant allele was found at a frequency of 8.1e-06 in 246350 control chromosomes. c.1021C>T has been reported in the literature in individuals affected with Sialidosis (e.g. Coutinho_2012, Han_2020). These data indicate that the variant is associated with disease. No clinical diagnostic laboratories have submitted clinical-significance assessments for this variant to ClinVar after 2014. Based on the evidence outlined above, the variant was classified as pathogenic.

Literature cited by the submitters: PubMed 21214877 (cited by Labcorp Genetics (formerly Invitae), Labcorp and Women's Health and Genetics/Laboratory Corporation of America, LabCorp); PubMed 32453490 (cited by Labcorp Genetics (formerly Invitae), Labcorp and Women's Health and Genetics/Laboratory Corporation of America, LabCorp); PubMed 25600812 (cited by Labcorp Genetics (formerly Invitae), Labcorp).